The following is an entry in ClinVar:

NM_182914.3(SYNE2):c.4924G>A (p.Gly1642Ser)

Gene: SYNE2 (spectrin repeat containing nuclear envelope protein 2; plus strand). Cytogenetic location: 14q23.2.
Variant type: single nucleotide variant.
Coding change: c.4924G>A on transcript NM_182914.3 (MANE Select); coding-DNA position 4924, G replaced by A.
Protein change: p.Gly1642Ser; replaces glycine 1642 with serine.
Molecular consequence: missense variant.
Genome position (GRCh38, 1-based): chr14:64,017,631, G>A. VCF-style: chr14-64017631-G-A. GRCh37 (hg19) VCF-style: chr14-64484349-G-A.
Other names: c.4924G>A, p.Gly1642Ser (NM_015180.6); short protein forms G1642S.
Identifiers: ClinVar variation 470975 (VCV000470975.10), dbSNP rs1555431607, ClinGen allele CA389938157.

ClinVar aggregate classification (germline): Uncertain significance (1 of 4 stars; one submission).

Conditions:
Emery-Dreifuss muscular dystrophy 5, autosomal dominant (EDMD5). Also called: EMERY-DREIFUSS MUSCULAR DYSTROPHY 5. Identifiers: Orphanet 261, MedGen C2751805, MONDO:0013072, OMIM 612999.

Submission:

Labcorp Genetics (formerly Invitae), Labcorp
Classification: Uncertain significance for Emery-Dreifuss muscular dystrophy 5, autosomal dominant. Last evaluated: 2019-02-22. Review status: criteria provided, single submitter. Criteria: Invitae Variant Classification Sherloc (09022015). Collection method: clinical testing. Allele origin: germline.
Comment: In summary, this variant is a novel missense change with uncertain impact on protein function. It has been classified as a Variant of Uncertain Significance. Algorithms developed to predict the effect of missense changes on protein structure and function do not agree on the potential impact of this missense change (SIFT: "Tolerated"; PolyPhen-2: "Probably Damaging"; Align-GVGD: "Class C0"). This variant is not present in population databases (ExAC no frequency) and has not been reported in the literature in individuals with a SYNE2-related disease. This sequence change replaces glycine with serine at codon 1642 of the SYNE2 protein (p.Gly1642Ser). The glycine residue is weakly conserved and there is a small physicochemical difference between glycine and serine.